The following is an entry in ClinVar:

NM_001457.4(FLNB):c.5758T>A (p.Leu1920Met)

Gene: FLNB (filamin B; plus strand). Cytogenetic location: 3p14.3.
Variant type: single nucleotide variant.
Coding change: c.5758T>A on transcript NM_001457.4 (MANE Select); coding-DNA position 5758, T replaced by A.
Protein change: p.Leu1920Met; replaces leucine 1920 with methionine.
Molecular consequence: missense variant.
Genome position (GRCh38, 1-based): chr3:58,148,235, T>A. VCF-style: chr3-58148235-T-A. GRCh37 (hg19) VCF-style: chr3-58133962-T-A.
Other names: c.5851T>A, p.Leu1951Met (NM_001164317.2); c.5725T>A, p.Leu1909Met (NM_001164318.2); c.5686T>A, p.Leu1896Met (NM_001164319.2); short protein forms L1920M, L1896M, L1951M, L1909M.
Identifiers: ClinVar variation 2847992 (VCV002847992.3), dbSNP rs763608749, ClinGen allele CA353355541.

ClinVar aggregate classification (germline): Uncertain significance (1 of 4 stars; one submission).

Submission:

Labcorp Genetics (formerly Invitae), Labcorp
Classification: Uncertain significance. Last evaluated: 2023-06-27. Review status: criteria provided, single submitter. Criteria: Invitae Variant Classification Sherloc (09022015). Collection method: clinical testing. Allele origin: germline.
Comment: In summary, the available evidence is currently insufficient to determine the role of this variant in disease. Therefore, it has been classified as a Variant of Uncertain Significance. Advanced modeling of protein sequence and biophysical properties (such as structural, functional, and spatial information, amino acid conservation, physicochemical variation, residue mobility, and thermodynamic stability) performed at Invitae indicates that this missense variant is not expected to disrupt FLNB protein function. This variant has not been reported in the literature in individuals affected with FLNB-related conditions. This variant is not present in population databases (gnomAD no frequency). This sequence change replaces leucine, which is neutral and non-polar, with methionine, which is neutral and non-polar, at codon 1920 of the FLNB protein (p.Leu1920Met).